The following is an entry in ClinVar:

NM_001267550.2(TTN):c.28942_28944dup (p.Glu9648_Leu9649insGlu)

Gene: TTN (titin; minus strand). Cytogenetic location: 2q31.2.
Variant type: Duplication.
Coding change: c.28942_28944dup on transcript NM_001267550.2 (MANE Select); coding-DNA positions 28942 to 28944, 3 bases duplicated (GAA; older notation c.28942_28944dupGAA).
Protein change: p.Glu9648_Leu9649insGlu.
Molecular consequence: inframe insertion. On other transcripts: intron variant (3).
Genome position (GRCh38, 1-based): chr2:178,707,623-178,707,625, TTC duplicated on the plus strand (GAA on the coding strand, the reverse complement: TTN is on the minus strand). VCF-style (leftmost placement, unchanged base first): chr2-178707622-G-GTTC. GRCh37 (hg19) VCF-style: chr2-179572349-G-GTTC.
Other names: c.27991_27993dup, p.Glu9331_Leu9332insGlu (NM_001256850.1); c.25210_25212dup, p.Glu8404_Leu8405insGlu (NM_133378.4); c.13282+30457_13282+30459dup (NM_003319.4); c.13858+30457_13858+30459dup (NM_133437.4); c.13657+30457_13657+30459dup (NM_133432.3); c.28942_28944dupGAA (NM_001267550.2).
Identifiers: ClinVar variation 2628735 (VCV002628735.1), dbSNP rs1560538182, ClinGen allele CA914516927.
Genomic context (GRCh38, chr2:178,707,622, plus strand): 5'-CAGCCACATTTGAAGCTTTACACACATAATCTCCCGAATCTGCTTTAGCCACATCTCTGA[G>GTTC]TTCCAGTACAGCTGTCCCACTAGCAAAGCTGAAGCTGCATCTGTCTGAAGGCTTTATTTC-3'

ClinVar aggregate classification (germline): Uncertain significance (1 of 4 stars; one submission).

Conditions:
TTN-related disorder. Also called: TTN-related condition; TTN-related disease; TTN-related disorders.

Allele frequency attached by ClinVar (database versions not stated): gnomAD exomes below 0.00001; gnomAD 0.00001; TOPMed 0.00002.

Submission:

PreventionGenetics, part of Exact Sciences
Classification: Uncertain significance for TTN-related condition. Last evaluated: 2023-06-26. Review status: criteria provided, single submitter. Criteria: ACMG Guidelines, 2015. Collection method: clinical testing. Allele origin: germline.
Comment: The TTN c.28942_28944dupGAA variant is predicted to result in an in-frame duplication (p.Glu9648dup). To our knowledge, this variant has not been reported in the literature. This variant is reported in 0.0% of alleles in individuals of African descent in gnomAD. At this time, the clinical significance of this variant is uncertain due to the absence of conclusive functional and genetic evidence.